The following is an entry in ClinVar:

ClinVar aggregate classification (germline): Uncertain significance (1 of 4 stars; one submission).

Conditions:
Familial thoracic aortic aneurysm and aortic dissection (TAAD). Also called: Thoracic aortic aneurysms and dissections. Identifiers: Orphanet 91387, MedGen C4707243, MONDO:0019625.

Allele frequency attached by ClinVar (database versions not stated): gnomAD exomes 0.00001.
gnomAD v4.1: 12 of 1,613,806 alleles (0.00074%); highest among the groups gnomAD compares: Non-Finnish European, 0.001%; no homozygotes.

Submission:

Ambry Genetics
Classification: Uncertain significance for Familial thoracic aortic aneurysm and aortic dissection. Last evaluated: 2022-05-04. Review status: criteria provided, single submitter. Criteria: Ambry Variant Classification Scheme 2023. Collection method: clinical testing. Allele origin: germline.
Comment: The p.K1215E variant (also known as c.3643A>G), located in coding exon 28 of the FBN2 gene, results from an A to G substitution at nucleotide position 3643. The lysine at codon 1215 is replaced by glutamic acid, an amino acid with similar properties. This amino acid position is not well conserved in available vertebrate species. In addition, the in silico prediction for this alteration is inconclusive. Since supporting evidence is limited at this time, the clinical significance of this alteration remains unclear.

NM_001999.4(FBN2):c.3643A>G (p.Lys1215Glu)

Gene: FBN2 (fibrillin 2; minus strand). Cytogenetic location: 5q23.3.
Variant type: single nucleotide variant.
Coding change: c.3643A>G on transcript NM_001999.4 (MANE Select); coding-DNA position 3643, A replaced by G.
Protein change: p.Lys1215Glu; replaces lysine 1215 with glutamic acid.
Molecular consequence: missense variant.
Genome position (GRCh38, 1-based): chr5:128,336,069, T>C on the plus strand (A>G on the coding strand, the complement: FBN2 is on the minus strand). VCF-style: chr5-128336069-T-C. GRCh37 (hg19) VCF-style: chr5-127671761-T-C.
Other names: short protein forms K1215E.
Identifiers: ClinVar variation 1733527 (VCV001733527.2), dbSNP rs1470752296, ClinGen allele CA360758353.